The following is an entry in ClinVar:

ClinVar aggregate classification (germline): Uncertain significance (1 of 4 stars; one submission).

Conditions:
Joubert syndrome 21 (JBTS21). Identifiers: MedGen C3810212, MONDO:0014288, OMIM 615636.

Submission:

Labcorp Genetics (formerly Invitae), Labcorp
Classification: Uncertain significance for Joubert syndrome 21. Last evaluated: 2020-10-26. Review status: criteria provided, single submitter. Criteria: Invitae Variant Classification Sherloc (09022015). Collection method: clinical testing. Allele origin: germline.
Comment: This variant has not been reported in the literature in individuals with CSPP1-related conditions. This sequence change replaces asparagine with lysine at codon 361 of the CSPP1 protein (p.Asn361Lys). The asparagine residue is weakly conserved and there is a moderate physicochemical difference between asparagine and lysine. This variant is not present in population databases (ExAC no frequency). Algorithms developed to predict the effect of missense changes on protein structure and function (SIFT, PolyPhen-2, Align-GVGD) all suggest that this variant is likely to be tolerated, but these predictions have not been confirmed by published functional studies and their clinical significance is uncertain. In summary, the available evidence is currently insufficient to determine the role of this variant in disease. Therefore, it has been classified as a Variant of Uncertain Significance.

NM_001382391.1(CSPP1):c.1056T>A (p.Asn352Lys)

Gene: CSPP1 (centrosome and spindle pole associated protein 1; plus strand). Cytogenetic location: 8q13.2.
Variant type: single nucleotide variant.
Coding change: c.1056T>A on transcript NM_001382391.1 (MANE Select); coding-DNA position 1056, T replaced by A.
Protein change: p.Asn352Lys; replaces asparagine 352 with lysine.
Molecular consequence: missense variant.
Genome position (GRCh38, 1-based): chr8:67,105,938, T>A. VCF-style: chr8-67105938-T-A. GRCh37 (hg19) VCF-style: chr8-68018173-T-A.
Other names: c.984T>A, p.Asn328Lys (NM_001364870.1); c.1083T>A, p.Asn361Lys (NM_024790.7); c.201T>A, p.Asn67Lys (NM_001291339.2); c.975T>A, p.Asn325Lys (NM_001363131.2, NM_001363133.2); c.1056T>A, p.Asn352Lys (NM_001363132.2); c.1164T>A, p.Asn388Lys (NM_001364869.1); short protein forms N325K, N352K, N361K, N388K, N328K, N67K.
Identifiers: ClinVar variation 1045754 (VCV001045754.8), dbSNP rs1815423493, ClinGen allele CA371194535.